The following continues an entry in ClinVar:

NM_000159.4(GCDH):c.1240G>A (p.Glu414Lys)

Gene: GCDH. ClinVar aggregate classification (germline): Pathogenic/Likely pathogenic. Pathogenic (15); Likely pathogenic (1).

Submissions 11 to 17 of 17:

Center for Genomics, Ann and Robert H. Lurie Children's Hospital of Chicago
Classification: Pathogenic for Glutaric aciduria, type 1. Last evaluated: 2022-06-21. Review status: criteria provided, single submitter. Criteria: ACMG Guidelines, 2015. Collection method: clinical testing. Allele origin: germline.
Comment: This variant has been reported in the literature in several individuals with glutaric aciduria type 1 in both the homozygous and compound heterozygous states (Biery 1996 PMID: 8900227; Basinger 2006 PMID: 16466958; Keyser 2008 PMID: 18775954; Harting 2009 PMID: 19433437; Boy 2017 PMID: 28438223; Peng 2018 PMID: 29458885; Xiao 2020 PMID: 32508882). This variant is present in the Genome Aggregation Database (Highest reported MAF: 0.02% [11/41408],. Please note, disease-causing variants may be present in control databases at low frequencies, reflective of the general population, carrier status, and/or variable expressivity. This variant is present in ClinVar, with several labs classifying this variant as pathogenic (Variation ID: 167133). Evolutionary conservation and computational predictive tools support that this variant will impact the protein. In vitro functional studies also support that this variant will impact the protein, resulting in no enzymatic activity (Biery 1996 PMID: 8900227; Keyser 2008 PMID: 18775954). In summary, this variant is classified as pathogenic based on the data above.

GeneDx
Classification: Pathogenic. Last evaluated: 2020-06-08. Review status: criteria provided, single submitter. Criteria: GeneDx Variant Classification Process June 2021. Collection method: clinical testing. Allele origin: germline. Affected: yes.
Comment: Published functional studies demonstrate that E414K had significantly reduced enzymatic activity when compared to wild-type (Keyser et al., 2008); In silico analysis, which includes protein predictors and evolutionary conservation, supports a deleterious effect; This variant is associated with the following publications: (PMID: 16466958, 28438223, 29201125, 25087612, 18775954, 8900227, 29458885, 19433437, 32508882, 31589614)

Revvity Omics, Revvity
Classification: Pathogenic for Glutaric aciduria, type 1. Last evaluated: 2019-11-20. Review status: criteria provided, single submitter. Criteria: ACMG Guidelines, 2015. Collection method: clinical testing. Allele origin: germline.

Genetic Services Laboratory, University of Chicago
Classification: Pathogenic. Last evaluated: 2017-06-16. Review status: criteria provided, single submitter. Criteria: ACMG Guidelines, 2015. Collection method: clinical testing. Allele origin: germline. Affected: yes.

Eurofins Ntd Llc (ga)
Classification: Pathogenic. Last evaluated: 2017-05-10. Review status: criteria provided, single submitter. Criteria: EGL Classification Definitions. Collection method: clinical testing. Allele origin: germline. Observed: 7 variant alleles, 7 heterozygotes.

Juno Genomics, Hangzhou Juno Genomics, Inc
Classification: Pathogenic for Glutaric aciduria, type 1. Review status: criteria provided, single submitter. Criteria: ACMG Guidelines, 2015. Collection method: clinical testing. Allele origin: germline. Affected: yes.
Comment: Absent from controls (or at extremely low frequency if recessive) in Genome Aggregation Database, Exome Sequencing Project, 1000 Genomes Project, or Exome Aggregation Consortium.;For recessive disorders, detected in trans with a pathogenic variant.;Patient's phenotype or family history is highly specific for a disease with a single genetic etiology.;Multiple lines of computational evidence support a deleterious effect on the gene or gene product (conservation, evolutionary, splicing impact, etc).

GeneReviews
No classification provided. Condition: Glutaric aciduria, type 1. Review status: no classification provided. Collection method: literature only. Allele origin: germline. Not counted in ClinVar's aggregate classification.
Comment: Founder variant in Lumbee Native Americans of North Carolina

Literature cited by the submitters: PubMed 8900227 (cited by 3 submitters); PubMed 16466958 (cited by 6 submitters); PubMed 19433437 (cited by 3 submitters); PubMed 18775954 (cited by 6 submitters); PubMed 29458885 (cited by Natera, Inc.); PubMed 28438223 (cited by 3 submitters); PubMed 34012862 (cited by Variantyx, Inc.); PubMed 37685964 (cited by Variantyx, Inc.); PubMed 25087612 (cited by Mayo Clinic Laboratories, Mayo Clinic); PubMed 27397597 (cited by Mayo Clinic Laboratories, Mayo Clinic); PubMed 32508882 (cited by Mayo Clinic Laboratories, Mayo Clinic); PubMed 31536184 (cited by GeneReviews).